The following is an entry in ClinVar:

NM_001458.5(FLNC):c.1210+5G>A

Gene: FLNC (filamin C; plus strand). Cytogenetic location: 7q32.1.
Variant type: single nucleotide variant.
Coding change: c.1210+5G>A on transcript NM_001458.5 (MANE Select); 5 bases into the intron after coding-DNA position 1210, G replaced by A.
Molecular consequence: intron variant.
Genome position (GRCh38, 1-based): chr7:128,838,434, G>A. VCF-style: chr7-128838434-G-A. GRCh37 (hg19) VCF-style: chr7-128478488-G-A.
Other names: c.1210+5G>A (NM_001127487.2).
Identifiers: ClinVar variation 972328 (VCV000972328.12), dbSNP rs770923888, ClinGen allele CA4474260.

ClinVar aggregate classification (germline): Uncertain significance. Review status: criteria provided, multiple submitters, no conflicts (2 of 4 stars). 3 submissions from 3 submitters: Uncertain significance (3). Last evaluated 2025-01-16.

Conditions:
Myofibrillar myopathy 5. Also called: Filaminopathy (type); FILAMINOPATHY, AUTOSOMAL DOMINANT. Identifiers: Orphanet 171445, MedGen C1836050, MONDO:0012289, OMIM 609524.
Hypertrophic cardiomyopathy 26. Also called: Cardiomyopathy, familial hypertrophic, 26. Identifiers: Orphanet 75249, MedGen C4310749, MONDO:0014883, OMIM 617047.
Distal myopathy with posterior leg and anterior hand involvement. Also called: WILLIAMS DISTAL MYOPATHY. Identifiers: Orphanet 63273, MedGen C3279722, MONDO:0013550, OMIM 614065.
Cardiovascular phenotype. Identifiers: MedGen CN230736.

Allele frequency attached by ClinVar (database versions not stated): gnomAD exomes below 0.00001; ExAC 0.00001.
gnomAD v4.1: 6 of 1,613,628 alleles (0.00037%); highest among the groups gnomAD compares: African/African-American, 0.0013%; no homozygotes.

Submissions (3):

Ambry Genetics
Classification: Uncertain significance for Cardiovascular phenotype. Last evaluated: 2025-01-16. Review status: criteria provided, single submitter. Criteria: Ambry Variant Classification Scheme 2023. Collection method: clinical testing. Allele origin: germline.
Comment: The c.1210+5G>A intronic variant results from a G to A substitution 5 nucleotides after coding exon 7 in the FLNC gene. This nucleotide position is not well conserved in available vertebrate species. In silico splice site analysis predicts that this alteration will result in the creation or strengthening of a novel splice donor site. Since supporting evidence is limited at this time, the clinical significance of this alteration remains unclear.

GeneDx
Classification: Uncertain significance. Last evaluated: 2022-06-21. Review status: criteria provided, single submitter. Criteria: GeneDx Variant Classification Process June 2021. Collection method: clinical testing. Allele origin: germline. Affected: yes.
Comment: Not observed at significant frequency in large population cohorts (gnomAD); Has not been previously published as pathogenic or benign to our knowledge; In silico analysis, which includes splice predictors and evolutionary conservation, suggests this variant may impact gene splicing. In the absence of RNA/functional studies, the actual effect of this sequence change is unknown.

Labcorp Genetics (formerly Invitae), Labcorp
Classification: Uncertain significance for Distal myopathy with posterior leg and anterior hand involvement; Myofibrillar myopathy 5; Hypertrophic cardiomyopathy 26. Last evaluated: 2019-11-08. Review status: criteria provided, single submitter. Criteria: Invitae Variant Classification Sherloc (09022015). Collection method: clinical testing. Allele origin: germline.
Comment: This variant has not been reported in the literature in individuals with FLNC-related conditions. This variant is present in population databases (rs770923888, ExAC 0.002%). This sequence change falls in intron 7 of the FLNC gene. It does not directly change the encoded amino acid sequence of the FLNC protein, but it affects a nucleotide within the consensus splice site of the intron. In summary, the available evidence is currently insufficient to determine the role of this variant in disease. Therefore, it has been classified as a Variant of Uncertain Significance. Nucleotide substitutions within the consensus splice site are a relatively common cause of aberrant splicing (PMID: 17576681, 9536098). Algorithms developed to predict the effect of sequence changes on RNA splicing suggest that this variant may disrupt the consensus splice site, but this prediction has not been confirmed by published transcriptional studies.

Literature cited by the submitters: PubMed 17576681 (cited by Labcorp Genetics (formerly Invitae), Labcorp); PubMed 9536098 (cited by Labcorp Genetics (formerly Invitae), Labcorp).